The following is an entry in ClinVar:

NM_000257.4(MYH7):c.1915A>G (p.Lys639Glu)

Gene: MYH7 (myosin heavy chain 7; minus strand). Cytogenetic location: 14q11.2.
Variant type: single nucleotide variant.
Coding change: c.1915A>G on transcript NM_000257.4 (MANE Select); coding-DNA position 1915, A replaced by G.
Protein change: p.Lys639Glu; replaces lysine 639 with glutamic acid.
Molecular consequence: missense variant.
Genome position (GRCh38, 1-based): chr14:23,427,281, T>C on the plus strand (A>G on the coding strand, the complement: MYH7 is on the minus strand). VCF-style: chr14-23427281-T-C. GRCh37 (hg19) VCF-style: chr14-23896490-T-C.
Other names: c.1915A>G, p.Lys639Glu (NM_001407004.1); short protein forms K639E.
Identifiers: ClinVar variation 2910348 (VCV002910348.3), dbSNP rs2502294917, ClinGen allele CA389049545.
Genomic context (GRCh38, chr14:23,427,281, plus strand): 5'-GGGGCTGTGTCCCACTCACCCTGTGCAGAGCTGACACAGTCTGAAAGGACGAGCCTTTCT[T>C]GGCCTTGCCTTTGCCCTTCTCAATAGCTGCAGGAAGGAGAGTCAACAAAAGAAGCATCAG-3'
Protein context (NP_000248.2, residues 629-649): APIEKGKGKA[Lys639Glu]KGSSFQTVSA

ClinVar aggregate classification (germline): Uncertain significance (1 of 4 stars; one submission).

Conditions:
Hypertrophic cardiomyopathy. Also called: HYPERTROPHIC MYOCARDIOPATHY. Identifiers: Orphanet 217569, MedGen C0007194, MeSH D002312, MONDO:0005045, HP:0001639.

Submission:

Labcorp Genetics (formerly Invitae), Labcorp
Classification: Uncertain significance for Hypertrophic cardiomyopathy. Last evaluated: 2023-08-09. Review status: criteria provided, single submitter. Criteria: Invitae Variant Classification Sherloc (09022015). Collection method: clinical testing. Allele origin: germline.
Comment: This sequence change replaces lysine, which is basic and polar, with glutamic acid, which is acidic and polar, at codon 639 of the MYH7 protein (p.Lys639Glu). This variant is not present in population databases (gnomAD no frequency). This missense change has been observed in individual(s) with noncompaction cardiomyopathy (PMID: 29447731). Advanced modeling of protein sequence and biophysical properties (such as structural, functional, and spatial information, amino acid conservation, physicochemical variation, residue mobility, and thermodynamic stability) performed at Invitae indicates that this missense variant is expected to disrupt MYH7 protein function. In summary, the available evidence is currently insufficient to determine the role of this variant in disease. Therefore, it has been classified as a Variant of Uncertain Significance.

Literature cited by the submitters: PubMed 29447731.